The following is an entry in ClinVar:

ClinVar aggregate classification (germline): Benign/Likely benign. Review status: criteria provided, multiple submitters, no conflicts (2 of 4 stars). 5 submissions from 5 submitters: Benign (2); Likely benign (3). Last evaluated 2026-02-01.

Conditions:
Nemaline myopathy 10 (NEM10). Identifiers: MedGen C4015360, MONDO:0014513, OMIM 616165.

Allele frequency attached by ClinVar (database versions not stated): gnomAD exomes 0.00049 and 0.00120; ExAC 0.00139; 1000 Genomes Project 0.00419; gnomAD 0.00484 and 0.00516; 1000 Genomes Project 30x 0.00500; ESP Exome Variant Server 0.00558; TOPMed 0.00564.
gnomAD v4.1: 1,519 of 1,613,758 alleles (0.094%); highest among the groups gnomAD compares: African/African-American, 1.7%; 13 homozygotes.

Submissions (5):

Labcorp Genetics (formerly Invitae), Labcorp
Classification: Benign for Nemaline myopathy 10. Last evaluated: 2026-02-01. Review status: criteria provided, single submitter. Criteria: Invitae Variant Classification Sherloc (09022015). Collection method: clinical testing. Allele origin: germline.

Mayo Clinic Laboratories, Mayo Clinic
Classification: Benign. Last evaluated: 2025-07-18. Review status: criteria provided, single submitter. Criteria: ACMG Guidelines, 2015. Collection method: clinical testing. Allele origin: germline. Observed: 1 variant allele.
Comment: BA1, BP4_moderate

GeneDx
Classification: Likely benign. Last evaluated: 2025-01-08. Review status: criteria provided, single submitter. Criteria: GeneDx Variant Classification Process June 2021. Collection method: clinical testing. Allele origin: germline. Affected: yes.
Comment: See Variant Classification Assertion Criteria.

Blueprint Genetics
Classification: Likely benign. Last evaluated: 2024-10-18. Review status: criteria provided, single submitter. Criteria: ACMG Guidelines, 2015. Collection method: clinical testing. Allele origin: germline.

Breakthrough Genomics
Classification: Likely benign. Review status: criteria provided, single submitter. Criteria: ACMG Guidelines, 2015. Collection method: not provided. Allele origin: germline. Inheritance: Autosomal recessive inheritance. Affected: yes.

NM_198271.5(LMOD3):c.1313A>T (p.Lys438Met)

Gene: LMOD3 (leiomodin 3; minus strand). Cytogenetic location: 3p14.1.
Variant type: single nucleotide variant.
Coding change: c.1313A>T on transcript NM_198271.5 (MANE Select); coding-DNA position 1313, A replaced by T.
Protein change: p.Lys438Met; replaces lysine 438 with methionine.
Molecular consequence: missense variant.
Genome position (GRCh38, 1-based): chr3:69,119,042, T>A on the plus strand (A>T on the coding strand, the complement: LMOD3 is on the minus strand). VCF-style: chr3-69119042-T-A. GRCh37 (hg19) VCF-style: chr3-69168193-T-A.
Other names: p.Lys438Met; c.1313A>T, p.Lys438Met (NM_001304418.3); short protein forms K438M.
Identifiers: ClinVar variation 475302 (VCV000475302.21), dbSNP rs6810145, ClinGen allele CA2488820.
Genomic context (GRCh38, chr3:69,119,042, plus strand): 5'-TGGGGGTTGGGAGGCCGAGGTGGCGGTGGCTGGAAGAATTCCTGCATTCTGGAATCTGGC[T>A]TGGGTCCTCCCAACAGCTCCCACATCCCAGGGGGCAGCCCCAACCCATTCTCTAACATGG-3'
Protein context (NP_938012.2, residues 428-448): PGMWELLGGP[Lys438Met]PDSRMQEFFQ